The following is an entry in ClinVar:

ClinVar aggregate classification (germline): Benign/Likely benign. Review status: criteria provided, multiple submitters, no conflicts (2 of 4 stars). 9 submissions from 9 submitters: Benign (1); Likely benign (8). Last evaluated 2025-12-08.

Conditions:
Cardiovascular phenotype. Identifiers: MedGen CN230736.
Cardiomyopathy (CMYO). Also called: Cardiomyopathies. Identifiers: Orphanet 167848, MedGen C0878544, MONDO:0004994, HP:0001638. Inheritance: Various modes of inheritance.
Hypertrophic cardiomyopathy. Also called: HYPERTROPHIC MYOCARDIOPATHY. Identifiers: Orphanet 217569, MedGen C0007194, MeSH D002312, MONDO:0005045, HP:0001639.

Allele frequency attached by ClinVar (database versions not stated): ExAC 0.00002; gnomAD exomes 0.00002 and 0.00003; gnomAD 0.00003; TOPMed 0.00003; ESP Exome Variant Server 0.00008.
gnomAD v4.1: 42 of 1,614,086 alleles (0.0026%); highest among the groups gnomAD compares: Non-Finnish European, 0.0033%; 2 homozygotes.

Submissions (9):

Labcorp Genetics (formerly Invitae), Labcorp
Classification: Likely benign for Hypertrophic cardiomyopathy. Last evaluated: 2025-12-08. Review status: criteria provided, single submitter. Criteria: Invitae Variant Classification Sherloc (09022015). Collection method: clinical testing. Allele origin: germline.

Mayo Clinic Laboratories, Mayo Clinic
Classification: Likely benign. Last evaluated: 2025-10-19. Review status: criteria provided, single submitter. Criteria: ACMG Guidelines, 2015. Collection method: clinical testing. Allele origin: germline. Observed: 1 variant allele.
Comment: BP4, BP7

Molecular Diagnostic Laboratory for Inherited Cardiovascular Disease, Montreal Heart Institute
Classification: Likely benign. Last evaluated: 2025-04-09. Review status: criteria provided, single submitter. Criteria: ACMG Guidelines, 2015. Collection method: clinical testing. Allele origin: germline. Affected: no.
Comment: BP6;BP7

Blueprint Genetics
Classification: Likely benign. Last evaluated: 2024-11-08. Review status: criteria provided, single submitter. Criteria: ACMG Guidelines, 2015. Collection method: clinical testing. Allele origin: germline.

All of Us Research Program, National Institutes of Health
Classification: Likely benign for Cardiomyopathy. Last evaluated: 2023-12-18. Review status: criteria provided, single submitter. Criteria: ACMG Guidelines, 2015. Collection method: clinical testing. Allele origin: germline. Inheritance: Autosomal dominant inheritance. Observed: 14 variant alleles, 14 heterozygotes.
Comment: This study involves interpretation of variants in research participants for the purpose of population health screening. Participant phenotype was not available at the time of variant classification. Additional details can be found in publication PMID: 35346344, PMCID: PMC8962531

CHEO Genetics Diagnostic Laboratory, Children's Hospital of Eastern Ontario
Classification: Likely benign for Cardiomyopathy. Last evaluated: 2023-06-06. Review status: criteria provided, single submitter. Criteria: ACMG Guidelines, 2015. Collection method: clinical testing. Allele origin: germline. Study: Canadian Open Genetics Repository.

Ambry Genetics
Classification: Likely benign for Cardiovascular phenotype. Last evaluated: 2022-03-17. Review status: criteria provided, single submitter. Criteria: Ambry Variant Classification Scheme 2023. Collection method: clinical testing. Allele origin: germline.

Color Diagnostics, LLC DBA Color Health
Classification: Likely benign for Cardiomyopathy. Last evaluated: 2018-11-30. Review status: criteria provided, single submitter. Criteria: ACMG Guidelines, 2015. Collection method: clinical testing. Allele origin: germline.

GeneDx
Classification: Benign. Last evaluated: 2015-03-03. Review status: criteria provided, single submitter. Criteria: GeneDx Variant Classification Process June 2021. Collection method: clinical testing. Allele origin: germline. Affected: yes.

NM_000257.4(MYH7):c.2859C>T (p.Asp953=)

Gene: MYH7 (myosin heavy chain 7; minus strand). Cytogenetic location: 14q11.2.
Variant type: single nucleotide variant.
Coding change: c.2859C>T on transcript NM_000257.4 (MANE Select); coding-DNA position 2859, C replaced by T.
Protein change: p.Asp953=; no amino-acid change (aspartic acid 953 retained).
Molecular consequence: synonymous variant.
Genome position (GRCh38, 1-based): chr14:23,423,970, G>A on the plus strand (C>T on the coding strand, the complement: MYH7 is on the minus strand). VCF-style: chr14-23423970-G-A. GRCh37 (hg19) VCF-style: chr14-23893179-G-A.
Other names: p.Asp953=; c.2859C>T (LRG_384t1).
Identifiers: ClinVar variation 525082 (VCV000525082.26), dbSNP rs370800700, ClinGen allele CA034456.